The following is an entry in ClinVar:

ClinVar aggregate classification (germline): Uncertain significance (1 of 4 stars; one submission).

Allele frequency attached by ClinVar (database versions not stated): ExAC 0.00001; gnomAD exomes 0.00001; TOPMed 0.00002.
gnomAD v4.1: 5 of 1,609,280 alleles (0.00031%); highest among the groups gnomAD compares: Admixed American, 0.0067%; no homozygotes.

Submission:

Labcorp Genetics (formerly Invitae), Labcorp
Classification: Uncertain significance. Last evaluated: 2022-07-29. Review status: criteria provided, single submitter. Criteria: Invitae Variant Classification Sherloc (09022015). Collection method: clinical testing. Allele origin: germline.
Comment: In summary, the available evidence is currently insufficient to determine the role of this variant in disease. Therefore, it has been classified as a Variant of Uncertain Significance. This variant is present in population databases (rs762250762, gnomAD 0.01%). This sequence change replaces leucine, which is neutral and non-polar, with valine, which is neutral and non-polar, at codon 831 of the INTU protein (p.Leu831Val). This variant has not been reported in the literature in individuals affected with INTU-related conditions. Algorithms developed to predict the effect of missense changes on protein structure and function are either unavailable or do not agree on the potential impact of this missense change (SIFT: "Deleterious"; PolyPhen-2: "Possibly Damaging"; Align-GVGD: "Class C0"). Algorithms developed to predict the effect of sequence changes on RNA splicing suggest that this variant may disrupt the consensus splice site.

NM_015693.4(INTU):c.2491C>G (p.Leu831Val)

Gene: INTU (inturned planar cell polarity protein; plus strand). Cytogenetic location: 4q28.1.
Variant type: single nucleotide variant.
Coding change: c.2491C>G on transcript NM_015693.4 (MANE Select); coding-DNA position 2491, C replaced by G.
Protein change: p.Leu831Val; replaces leucine 831 with valine.
Molecular consequence: missense variant.
Genome position (GRCh38, 1-based): chr4:127,711,034, C>G. VCF-style: chr4-127711034-C-G. GRCh37 (hg19) VCF-style: chr4-128632189-C-G.
Other names: short protein forms L831V.
Identifiers: ClinVar variation 2421813 (VCV002421813.7), dbSNP rs762250762, ClinGen allele CA3075341.